The following is an entry in ClinVar:

NM_017950.4(CCDC40):c.2998C>T (p.Arg1000Trp)

Gene: CCDC40 (coiled-coil domain 40 molecular ruler complex subunit; plus strand). Cytogenetic location: 17q25.3.
Variant type: single nucleotide variant.
Coding change: c.2998C>T on transcript NM_017950.4 (MANE Select); coding-DNA position 2998, C replaced by T.
Protein change: p.Arg1000Trp; replaces arginine 1000 with tryptophan.
Molecular consequence: missense variant.
Genome position (GRCh38, 1-based): chr17:80,095,428, C>T. VCF-style: chr17-80095428-C-T. GRCh37 (hg19) VCF-style: chr17-78069227-C-T.
Other names: short protein forms R1000W.
Identifiers: ClinVar variation 1723794 (VCV001723794.4), dbSNP rs769341555, ClinGen allele CA8814570.
Genomic context (GRCh38, chr17:80,095,428, plus strand): 5'-AAGATGGACAGGAAGGCGCTCACCCGCACCGACTTCCACCACAAGCAGCTTGAGCTGCGC[C>T]GGAAAATCAGGGACGTTCGCAAGGTAGGGAGCAGCGGAAAGGAAACAGGGCGCCTGCTCC-3'
Protein context (NP_060420.2, residues 990-1010): DFHHKQLELR[Arg1000Trp]KIRDVRKATD

ClinVar aggregate classification (germline): Uncertain significance. Review status: criteria provided, multiple submitters, no conflicts (2 of 4 stars). 2 submissions from 2 submitters: Uncertain significance (2). Last evaluated 2023-05-31.

Conditions:
Primary ciliary dyskinesia. Also called: Ciliary dyskinesia. Identifiers: Orphanet 244, MedGen C0008780, MONDO:0016575, HP:0012265.

Allele frequency attached by ClinVar (database versions not stated): ExAC 0.00003.
gnomAD v4.1: 32 of 1,614,156 alleles (0.002%); highest among the groups gnomAD compares: Admixed American, 0.012%; no homozygotes.

Submissions (2):

Ambry Genetics
Classification: Uncertain significance for Primary ciliary dyskinesia. Last evaluated: 2023-05-31. Review status: criteria provided, single submitter. Criteria: Ambry Variant Classification Scheme 2023. Collection method: clinical testing. Allele origin: germline.

GeneDx
Classification: Uncertain significance. Last evaluated: 2022-05-13. Review status: criteria provided, single submitter. Criteria: GeneDx Variant Classification Process June 2021. Collection method: clinical testing. Allele origin: germline. Affected: yes.
Comment: In silico analysis supports that this missense variant has a deleterious effect on protein structure/function; Has not been previously published as pathogenic or benign to our knowledge